The following is an entry in ClinVar:

ClinVar aggregate classification (germline): Uncertain significance. Review status: criteria provided, multiple submitters, no conflicts (2 of 4 stars). 4 submissions from 4 submitters: Uncertain significance (4). Last evaluated 2025-09-15.

Conditions:
Hereditary cancer-predisposing syndrome. Also called: Neoplastic Syndromes, Hereditary; Tumor predisposition; Hereditary Cancer Syndrome; Hereditary neoplastic syndrome. Identifiers: Orphanet 140162, MedGen C0027672, MeSH D009386, MONDO:0015356.
Familial cancer of breast. Also called: BREAST CANCER, FAMILIAL; hereditary breast carcinoma; Hereditary breast cancer. Identifiers: Orphanet 227535, MedGen C0346153, MONDO:0016419, OMIM 114480. Disease mechanism: loss of function.

Submissions (4):

Labcorp Genetics (formerly Invitae), Labcorp
Classification: Uncertain significance for Familial cancer of breast. Last evaluated: 2025-09-15. Review status: criteria provided, single submitter. Criteria: Invitae Variant Classification Sherloc (09022015). Collection method: clinical testing. Allele origin: germline.
Comment: This sequence change replaces aspartic acid, which is acidic and polar, with glycine, which is neutral and non-polar, at codon 458 of the BARD1 protein (p.Asp458Gly). This variant is not present in population databases (gnomAD no frequency). This variant has not been reported in the literature in individuals affected with BARD1-related conditions. ClinVar contains an entry for this variant (Variation ID: 460701). An algorithm developed to predict the effect of missense changes on protein structure and function (PolyPhen-2) suggests that this variant is likely to be disruptive. In summary, the available evidence is currently insufficient to determine the role of this variant in disease. Therefore, it has been classified as a Variant of Uncertain Significance.

Ambry Genetics
Classification: Uncertain significance for Hereditary cancer-predisposing syndrome. Last evaluated: 2025-01-08. Review status: criteria provided, single submitter. Criteria: Ambry Variant Classification Scheme 2023. Collection method: clinical testing. Allele origin: germline.
Comment: The p.D458G variant (also known as c.1373A>G), located in coding exon 5 of the BARD1 gene, results from an A to G substitution at nucleotide position 1373. The aspartic acid at codon 458 is replaced by glycine, an amino acid with similar properties. This amino acid position is highly conserved in available vertebrate species. In addition, this alteration is predicted to be deleterious by in silico analysis. Since supporting evidence is limited at this time, the clinical significance of this alteration remains unclear.

Color Diagnostics, LLC DBA Color Health
Classification: Uncertain significance for Hereditary cancer-predisposing syndrome. Last evaluated: 2024-05-03. Review status: criteria provided, single submitter. Criteria: ACMG Guidelines, 2015. Collection method: clinical testing. Allele origin: germline.
Comment: This missense variant replaces aspartic acid with glycine at codon 458 of the BARD1 protein. Computational prediction suggests that this variant may have deleterious impact on protein structure and function. To our knowledge, functional studies have not been reported for this variant. This variant has not been reported in individuals affected with BARD1-related disorders in the literature. This variant has not been identified in the general population by the Genome Aggregation Database (gnomAD). The available evidence is insufficient to determine the role of this variant in disease conclusively. Therefore, this variant is classified as a Variant of Uncertain Significance.

Quest Diagnostics Nichols Institute San Juan Capistrano
Classification: Uncertain significance. Last evaluated: 2019-06-12. Review status: criteria provided, single submitter. Criteria: Quest Diagnostics criteria. Collection method: clinical testing. Allele origin: germline.

NM_000465.4(BARD1):c.1373A>G (p.Asp458Gly)

Gene: BARD1 (BRCA1 associated RING domain 1; minus strand). Cytogenetic location: 2q35.
Variant type: single nucleotide variant.
Coding change: c.1373A>G on transcript NM_000465.4 (MANE Select); coding-DNA position 1373, A replaced by G.
Protein change: p.Asp458Gly; replaces aspartic acid 458 with glycine.
Molecular consequence: missense variant. On other transcripts: non-coding transcript variant (3), intron variant (3).
Genome position (GRCh38, 1-based): chr2:214,769,254, T>C on the plus strand (A>G on the coding strand, the complement: BARD1 is on the minus strand). VCF-style: chr2-214769254-T-C. GRCh37 (hg19) VCF-style: chr2-215633978-T-C.
Other names: c.1316A>G, p.Asp439Gly (NM_001282543.2); c.159-16699A>G (NM_001282548.2); c.216-16699A>G (NM_001282545.2); c.364+23043A>G (NM_001282549.2); short protein forms D458G, D439G.
Identifiers: ClinVar variation 460701 (VCV000460701.18), dbSNP rs876660108, ClinGen allele CA350450205.
Genomic context (GRCh38, chr2:214,769,254, plus strand): 5'-AAACACAGAAAGAATGAGAATAAAAACCAGACAACTACCAATGGTGTCCATCCAGCATGG[T>C]CTTTAACATTTGGATCACTTCCATTTTGTAAAAGGTATTCAACAGAAGGTATGTCGCCCT-3'
Protein context (NP_000456.2, residues 448-468): LQNGSDPNVK[Asp458Gly]HAGWTPLHEA